The following is an entry in ClinVar:

ClinVar aggregate classification (germline): Likely benign. Review status: criteria provided, multiple submitters, no conflicts (2 of 4 stars). 4 submissions from 4 submitters: Likely benign (4). Last evaluated 2025-09-29.

Conditions:
Familial thoracic aortic aneurysm and aortic dissection (TAAD). Also called: Thoracic aortic aneurysms and dissections. Identifiers: Orphanet 91387, MedGen C4707243, MONDO:0019625.
Aortic aneurysm, familial thoracic 4 (AAT4). Also called: AORTIC ANEURYSM/AORTIC DISSECTION AND PATENT DUCTUS ARTERIOSUS. Identifiers: MedGen C1851504, MONDO:0007568, OMIM 132900.

Allele frequency attached by ClinVar (database versions not stated): TOPMed below 0.00001.
gnomAD v4.1: 1 of 1,614,180 alleles (0.000062%); highest among the groups gnomAD compares: African/African-American, 0.0013%; no homozygotes.

Submissions (4):

Labcorp Genetics (formerly Invitae), Labcorp
Classification: Likely benign for Aortic aneurysm, familial thoracic 4. Last evaluated: 2025-09-29. Review status: criteria provided, single submitter. Criteria: Invitae Variant Classification Sherloc (09022015). Collection method: clinical testing. Allele origin: germline.

All of Us Research Program, National Institutes of Health
Classification: Likely benign for Familial thoracic aortic aneurysm and aortic dissection. Last evaluated: 2024-05-30. Review status: criteria provided, single submitter. Criteria: ACMG Guidelines, 2015. Collection method: clinical testing. Allele origin: germline. Inheritance: Autosomal dominant inheritance. Observed: 1 variant allele, 1 heterozygote.
Comment: This study involves interpretation of variants in research participants for the purpose of population health screening. Participant phenotype was not available at the time of variant classification. Additional details can be found in publication PMID: 35346344, PMCID: PMC8962531

Ambry Genetics
Classification: Likely benign for Familial thoracic aortic aneurysm and aortic dissection. Last evaluated: 2020-03-16. Review status: criteria provided, single submitter. Criteria: Ambry Variant Classification Scheme 2023. Collection method: clinical testing. Allele origin: germline.

Color Diagnostics, LLC DBA Color Health
Classification: Likely benign for Familial thoracic aortic aneurysm and aortic dissection. Last evaluated: 2019-02-09. Review status: criteria provided, single submitter. Criteria: ACMG Guidelines, 2015. Collection method: clinical testing. Allele origin: germline.

NM_002474.3(MYH11):c.3387A>C (p.Ser1129=)

Gene: MYH11 (myosin heavy chain 11; minus strand). Cytogenetic location: 16p13.11.
Variant type: single nucleotide variant.
Coding change: c.3387A>C on transcript NM_002474.3 (MANE Select); coding-DNA position 3387, A replaced by C.
Protein change: p.Ser1129=; no amino-acid change (serine 1129 retained).
Molecular consequence: synonymous variant.
Genome position (GRCh38, 1-based): chr16:15,735,485, T>G on the plus strand (A>C on the coding strand, the complement: MYH11 is on the minus strand). VCF-style: chr16-15735485-T-G. GRCh37 (hg19) VCF-style: chr16-15829342-T-G.
Other names: c.3408A>C, p.Ser1136= (NM_001040113.2, NM_001040114.2); c.3387A>C, p.Ser1129= (NM_022844.3).
Identifiers: ClinVar variation 927667 (VCV000927667.6), dbSNP rs1176049684, ClinGen allele CA493777325.